The following is an entry in ClinVar:

ClinVar aggregate classification (germline): Uncertain significance (1 of 4 stars; one submission).

Conditions:
Primary ciliary dyskinesia. Also called: Ciliary dyskinesia. Identifiers: Orphanet 244, MedGen C0008780, MONDO:0016575, HP:0012265.

gnomAD v4.1: 13 of 1,614,182 alleles (0.00081%); highest among the groups gnomAD compares: Non-Finnish European, 0.001%; no homozygotes.

Submission:

Ambry Genetics
Classification: Uncertain significance for Primary ciliary dyskinesia. Last evaluated: 2025-09-17. Review status: criteria provided, single submitter. Criteria: Ambry Variant Classification Scheme 2023. Collection method: clinical testing. Allele origin: germline.
Comment: The p.L201F variant (also known as c.603G>C), located in coding exon 4 of the RSPH9 gene, results from a G to C substitution at nucleotide position 603. The leucine at codon 201 is replaced by phenylalanine, an amino acid with highly similar properties. This amino acid position is conserved. In addition, this alteration is predicted to be tolerated by in silico analysis. Based on the available evidence, the clinical significance of this variant remains unclear.

NM_152732.5(RSPH9):c.603G>C (p.Leu201Phe)

Gene: RSPH9 (radial spoke head component 9; plus strand). Cytogenetic location: 6p21.1.
Variant type: single nucleotide variant.
Coding change: c.603G>C on transcript NM_152732.5 (MANE Select); coding-DNA position 603, G replaced by C.
Protein change: p.Leu201Phe; replaces leucine 201 with phenylalanine.
Molecular consequence: missense variant. On other transcripts: non-coding transcript variant (2).
Genome position (GRCh38, 1-based): chr6:43,656,656, G>C. VCF-style: chr6-43656656-G-C. GRCh37 (hg19) VCF-style: chr6-43624393-G-C.
Other names: c.558G>C, p.Leu186Phe (NM_001193341.2, NM_001424120.1); c.603G>C, p.Leu201Phe (NM_001424119.1, NM_001424121.1); short protein forms L186F, L201F.
Identifiers: ClinVar variation 4635047 (VCV004635047.1).